The following is an entry in ClinVar:

ClinVar aggregate classification (germline): Pathogenic/Likely pathogenic. Review status: criteria provided, multiple submitters, no conflicts (2 of 4 stars). 14 submissions from 14 submitters: Pathogenic (7); Likely pathogenic (5). 2 of the submissions do not count toward it. Last evaluated 2025-04-13.

Conditions:
Autosomal recessive spastic paraplegia type 76. Identifiers: Orphanet 488594, MedGen C5567483, MONDO:0014827, OMIM 616907.

Allele frequency attached by ClinVar (database versions not stated): TOPMed 0.00015; ESP Exome Variant Server 0.00033; gnomAD exomes 0.00011 and 0.00012; gnomAD 0.00012 and 0.00011; ExAC 0.00011.
gnomAD v4.1: 170 of 1,610,740 alleles (0.011%); highest among the groups gnomAD compares: Middle Eastern, 0.016%; no homozygotes.

Submissions (14):

Labcorp Genetics (formerly Invitae), Labcorp
Classification: Pathogenic. Last evaluated: 2025-04-13. Review status: criteria provided, single submitter. Criteria: Invitae Variant Classification Sherloc (09022015). Collection method: clinical testing. Allele origin: germline.
Comment: This sequence change falls in intron 14 of the CAPN1 gene. It does not directly change the encoded amino acid sequence of the CAPN1 protein. RNA analysis indicates that this variant induces altered splicing and may result in an absent or altered protein product. This variant is present in population databases (rs375817528, gnomAD 0.02%). This variant has been observed in individual(s) with hereditary spastic paraplegia (PMID: 27153400, 32214227, 33486633; internal data). In at least one individual the data is consistent with being in trans (on the opposite chromosome) from a pathogenic variant. It has also been observed to segregate with disease in related individuals. ClinVar contains an entry for this variant (Variation ID: 225768). Variants that disrupt the consensus splice site are a relatively common cause of aberrant splicing (PMID: 17576681, 9536098). Studies have shown that this variant results in skipping of exon 14, and produces a non-functional protein and/or introduces a premature termination codon (PMID: 27153400). For these reasons, this variant has been classified as Pathogenic.

Women's Health and Genetics/Laboratory Corporation of America, LabCorp
Classification: Pathogenic for Autosomal recessive spastic paraplegia type 76. Last evaluated: 2024-07-09. Review status: criteria provided, single submitter. Criteria: LabCorp Variant Classification Summary - May 2015. Collection method: clinical testing. Allele origin: germline.
Comment: Variant summary: CAPN1 c.1605+5G>A alters a non-conserved nucleotide located close to a canonical splice site and therefore could affect mRNA splicing, leading to a significantly altered protein sequence. Several computational tools predict a significant impact on normal splicing: Two predict the variant abolishes a 5' splicing donor site. Two predict the variant weakens a 5' donor site. At least one publication reports experimental evidence that this variant affects mRNA splicing, showing the variant leads to skipping of exon 14, confirmed by cDNA sequencing (e.g. Gan-Or_2016). The variant allele was found at a frequency of 0.00012 in 242366 control chromosomes. This frequency is not significantly higher than estimated for a pathogenic variant in CAPN1 causing Autosomal Recessive Spastic Paraplegia Type 76, allowing no conclusion about variant significance. c.1605+5G>A has been reported in the literature in homozygous and compound heterozygous individuals affected with Autosomal Recessive Spastic Paraplegia Type 76 (e.g. Gan-Or_2016, Benkirane_2021, Ek_2023), or in one compound heterozygous individual affected with a spinocerebellar ataxia (e.g. Baviera-Muoz_2022). These data indicate that the variant is very likely to be associated with disease. The following publications have been ascertained in the context of this evaluation (PMID: 34234304, 37273706, 36530930, 27153400). ClinVar contains an entry for this variant (Variation ID: 225768). Based on the evidence outlined above, the variant was classified as pathogenic.

3billion
Classification: Likely pathogenic for Autosomal recessive spastic paraplegia type 76. Last evaluated: 2024-03-10. Review status: criteria provided, single submitter. Criteria: ACMG Guidelines, 2015. Collection method: clinical testing. Allele origin: germline. Affected: yes.
Comment: The variant is observed at an extremely low frequency in the gnomAD v2.1.1 dataset (total allele frequency: 0.011%). Predicted Consequence/Location: Intron variant In silico tools predict the variant to alter splicing and produce an abnormal transcript [SpliceAI: 0.56 (>=0.2, moderate evidence for spliceogenicity)]. The variant has been reported at least twice as pathogenic with clinical assertions and evidence for the classification (ClinVar ID: VCV000225768 /PMID: 27153400). Therefore, this variant is classified as Likely pathogenic according to the recommendation of ACMG/AMP guideline.

Neurometabolic Diseases Laboratory, Bellvitge Biomedical Research Institute (IDIBELL)
Classification: Pathogenic for Autosomal recessive spastic paraplegia type 76. Last evaluated: 2023-04-27. Review status: criteria provided, single submitter. Criteria: ACMG Guidelines, 2015. Collection method: research. Allele origin: germline. Affected: yes.

Department of Pathology and Laboratory Medicine, Sinai Health System
Classification: Pathogenic for Autosomal recessive spastic paraplegia type 76. Last evaluated: 2022-10-14. Review status: criteria provided, single submitter. Criteria: ACMG Guidelines, 2015. Collection method: research. Allele origin: germline.

GeneDx
Classification: Pathogenic. Last evaluated: 2022-02-06. Review status: criteria provided, single submitter. Criteria: GeneDx Variant Classification Process June 2021. Collection method: clinical testing. Allele origin: germline. Affected: yes.
Comment: Non-canonical splice site variant demonstrated to result in loss-of-function (Gan-Or et al., 2016); This variant is associated with the following publications: (PMID: 30572172, 27153400, 32214227, 33726816, 33486633)

Revvity Omics, Revvity
Classification: Likely pathogenic for Autosomal recessive spastic paraplegia type 76. Last evaluated: 2021-06-12. Review status: criteria provided, single submitter. Criteria: ACMG Guidelines, 2015. Collection method: clinical testing. Allele origin: germline.

Genetic Services Laboratory, University of Chicago
Classification: Likely pathogenic. Last evaluated: 2019-02-04. Review status: criteria provided, single submitter. Criteria: ACMG Guidelines, 2015. Collection method: clinical testing. Allele origin: germline. Affected: yes.
Comment: DNA sequence analysis of the CAPN1 gene demonstrated a sequence change located near the canonical splice donor site in intron 14, c.1605+5G>A. This sequence change has been described in the gnomAD database with a low population frequency of 0.012% (dbSNP rs375817528). This variant was identified in two symptomatic family members with spastic paraplegia in a compound heterozygous state with other frameshift variant (Gan-Or et al., 2016). Based on in silico splice prediction programs, this sequence change likely affects normal splicing of the CAPN1 gene, which would result in an abnormal protein, however functional studies have not been performed to prove this conclusively.

Undiagnosed Diseases Network, NIH
Classification: Likely pathogenic for Autosomal recessive spastic paraplegia type 76. Last evaluated: 2018-06-01. Review status: criteria provided, single submitter. Criteria: ACMG Guidelines, 2015. Collection method: clinical testing. Allele origin: paternal. Inheritance: Autosomal recessive inheritance. Affected: yes. Observed: 1 variant allele, 1 compound heterozygote. Study: Undiagnosed Diseases Network (NIH), UDN.

Clinical Genetics Service, Universitary Hospital 12 de Octubre
Classification: Pathogenic for Autosomal recessive spastic paraplegia type 76. Review status: criteria provided, single submitter. Criteria: ACMG Guidelines, 2015. Collection method: clinical testing. Allele origin: germline. Affected: yes.

Genomics England Pilot Project, Genomics England
Classification: Likely pathogenic for Autosomal recessive spastic paraplegia type 76. Review status: criteria provided, single submitter. Criteria: ACGS Guidelines, 2016. Collection method: clinical testing. Allele origin: germline. Affected: yes.

Paris Brain Institute, Inserm - ICM
Classification: Pathogenic for Autosomal recessive spastic paraplegia type 76. Review status: criteria provided, single submitter. Criteria: ACMG Guidelines, 2015. Collection method: clinical testing. Allele origin: unknown. Affected: yes. Observed: 2 variant alleles.

Section for Clinical Neurogenetics, University of Tübingen
Classification: Pathogenic for Autosomal recessive spastic paraplegia type 76. Last evaluated: 2019-08-01. Review status: no assertion criteria provided. Collection method: research. Allele origin: germline. Affected: yes. Not counted in ClinVar's aggregate classification.

OMIM
Classification: Pathogenic for SPASTIC PARAPLEGIA 76, AUTOSOMAL RECESSIVE. Last evaluated: 2016-05-09. Review status: no assertion criteria provided. Collection method: literature only. Allele origin: germline. Not counted in ClinVar's aggregate classification.

Literature cited by the submitters: PubMed 27153400 (cited by 5 submitters); PubMed 32214227 (cited by Labcorp Genetics (formerly Invitae), Labcorp and Section for Clinical Neurogenetics, University of Tübingen); PubMed 33486633 (cited by Labcorp Genetics (formerly Invitae), Labcorp and Paris Brain Institute, Inserm - ICM); PubMed 17576681 (cited by Labcorp Genetics (formerly Invitae), Labcorp); PubMed 9536098 (cited by Labcorp Genetics (formerly Invitae), Labcorp); PubMed 34234304 (cited by Women's Health and Genetics/Laboratory Corporation of America, LabCorp); PubMed 37273706 (cited by Women's Health and Genetics/Laboratory Corporation of America, LabCorp); PubMed 36530930 (cited by Women's Health and Genetics/Laboratory Corporation of America, LabCorp).

NM_005186.4(CAPN1):c.1605+5G>A

Gene: CAPN1 (calpain 1; plus strand). Cytogenetic location: 11q13.1.
Variant type: single nucleotide variant.
Coding change: c.1605+5G>A on transcript NM_005186.4 (MANE Select); 5 bases into the intron after coding-DNA position 1605, G replaced by A.
Molecular consequence: intron variant.
Genome position (GRCh38, 1-based): chr11:65,206,824, G>A. VCF-style: chr11-65206824-G-A. GRCh37 (hg19) VCF-style: chr11-64974295-G-A.
Other names: IVS14DS, G-A, +5; c.1605+5G>A (NM_001198868.2, NM_001198869.2).
Identifiers: ClinVar variation 225768 (VCV000225768.56), dbSNP rs375817528, ClinGen allele CA6093476.